The following is an entry in ClinVar:

NM_001271938.2(MEGF8):c.5342_5343+1delinsT

Gene: MEGF8 (multiple EGF like domains 8; plus strand). Cytogenetic location: 19q13.2.
Variant type: Indel.
Coding change: c.5342_5343+1delinsT on transcript NM_001271938.2 (MANE Select); coding-DNA position 5342 through the canonical splice donor site of the intron after coding-DNA position 5343, AGG replaced by T.
Molecular consequence: splice donor variant.
Genome position (GRCh38, 1-based): chr19:42,358,953-42,358,955, AGG replaced by T. VCF-style: chr19-42358953-AGG-T. GRCh37 (hg19) VCF-style: chr19-42863105-AGG-T.
Other names: c.5141_5142+1delinsT (NM_001410.3).
Identifiers: ClinVar variation 3345540 (VCV003345540.1).

ClinVar aggregate classification (germline): Likely pathogenic (0 of 4 stars; one submission).

Conditions:
MEGF8-related disorder. Also called: MEGF8-related condition.

Submission:

PreventionGenetics, part of Exact Sciences
Classification: Likely pathogenic for MEGF8-related condition. Last evaluated: 2024-08-05. Review status: no assertion criteria provided. Collection method: clinical testing. Allele origin: germline.
Comment: The MEGF8 c.5141_5142+1delinsT variant is predicted to result in an in-frame deletion and insertion. This variant involves the consensus splice site and is predicted to interfere with splicing. To our knowledge, this variant has not been reported in the literature or in a large population database, indicating this variant is rare. Loss of function variants have been documented in patients with MEGF8-related disorder (Watts et al. 2024. PubMed ID: 38760421). This variant is interpreted as likely pathogenic.